The following is an entry in ClinVar:

ClinVar aggregate classification (germline): Pathogenic/Likely pathogenic. Review status: criteria provided, multiple submitters, no conflicts (2 of 4 stars). 3 submissions from 3 submitters: Pathogenic (2); Likely pathogenic (1). Last evaluated 2026-09-08.

Conditions:
Fabry disease. Also called: Ceramide trihexosidosis; Angiokeratoma corporis diffusum; ALPHA-GALACTOSIDASE A DEFICIENCY; ANDERSON-FABRY DISEASE; Fabry's disease; CERAMIDE TRIHEXOSIDASE DEFICIENCY. Identifiers: Orphanet 324, MedGen C0002986, MONDO:0010526, OMIM 301500, HP:0001071. Disease mechanism: Fabry disease is due to inactivating mutations in the X-linked GLA gene resulting in deficiency of the enzyme Alpha Galactosidase-A., loss of function.

Submissions (3):

Genomenon, Inc
Classification: Pathogenic for Fabry disease. Last evaluated: 2026-09-08. Review status: criteria provided, single submitter. Criteria: Genomenon Sequence Variant Interpretation Standards - Updated. Collection method: curation. Allele origin: germline. Affected: yes.
Comment: GLA p.His46Arg (c.137A>G) is a missense variant that changes the amino acid at codon 46 from Histidine to Arginine. This variant has been observed in at least one proband with clinical features consistent with Fabry disease (PMID:9100224;19949640;40692291;20505683;18387337;18509742;16720462). The variant was found to segregate with disease in at least one affected family (PMID:40692291;18509742). At least one functional study has demonstrated a substantial alteration in protein function relative to the wild-type (PMID:21598360;27657681). This variant is located in a mutational hotspot and/or important functional domain. It is absent or not present at a significant frequency in gnomAD. In silico models predict that this variant is possibly or probably damaging. In conclusion, we classify GLA p.His46Arg (c.137A>G) as a pathogenic variant.

Revvity Omics, Revvity
Classification: Likely pathogenic. Last evaluated: 2022-04-04. Review status: criteria provided, single submitter. Criteria: ACMG Guidelines, 2015. Collection method: clinical testing. Allele origin: germline.

Eurofins Ntd Llc (ga)
Classification: Pathogenic. Last evaluated: 2018-07-11. Review status: criteria provided, single submitter. Criteria: EGL ClinVar v180209 classification definitions. Collection method: clinical testing. Allele origin: germline. Observed: 4 variant alleles, 1 heterozygote, 3 hemizygotes.

Literature cited by the submitters: PubMed 9100224 (cited by Genomenon, Inc); PubMed 19949640 (cited by Genomenon, Inc); PubMed 40692291 (cited by Genomenon, Inc); PubMed 20505683 (cited by Genomenon, Inc); PubMed 18387337 (cited by Genomenon, Inc); PubMed 18509742 (cited by Genomenon, Inc); PubMed 16720462 (cited by Genomenon, Inc); PubMed 21598360 (cited by Genomenon, Inc); PubMed 27657681 (cited by Genomenon, Inc).

NM_000169.3(GLA):c.137A>G (p.His46Arg)

Genes: GLA (galactosidase alpha; minus strand), RPL36A-HNRNPH2 (RPL36A-HNRNPH2 readthrough; plus strand). Cytogenetic location: Xq22.1.
Variant type: single nucleotide variant.
Coding change: c.137A>G on transcript NM_000169.3 (MANE Select); coding-DNA position 137, A replaced by G.
Protein change: p.His46Arg; replaces histidine 46 with arginine.
Molecular consequence: missense variant. On other transcripts: non-coding transcript variant (3), intron variant (2).
Genome position (GRCh38, 1-based): chrX:101,407,767, T>C on the plus strand (A>G on the coding strand, the complement: GLA is on the minus strand). VCF-style: chrX-101407767-T-C. GRCh37 (hg19) VCF-style: chrX-100662755-T-C.
Other names: c.137A>G, p.His46Arg (NM_001406747.1, NM_001406748.1, NM_001406749.1); c.301-4169T>C (NM_001199973.2); c.178-4169T>C (NM_001199974.2); short protein forms H46R.
Identifiers: ClinVar variation 193057 (VCV000193057.10), dbSNP rs398123203, ClinGen allele CA021532.